The following is an entry in ClinVar:

NM_001042492.3(NF1):c.7794del (p.Ser2599fs)

Gene: NF1 (neurofibromin 1; plus strand). Cytogenetic location: 17q11.2.
Variant type: Deletion.
Coding change: c.7794del on transcript NM_001042492.3 (MANE Select); coding-DNA position 7794, one base deleted (G; older notation c.7794delG).
Protein change: p.Ser2599fs; shifts the reading frame from serine 2599.
Molecular consequence: frameshift variant.
Genome position (GRCh38, 1-based): chr17:31,357,015, G deleted. VCF-style (leftmost placement, unchanged base first): chr17-31357014-TG-T. GRCh37 (hg19) VCF-style: chr17-29684032-TG-T.
Other names: c.7731del, p.Ser2578fs (NM_000267.4); short protein forms S2578fs, S2599fs.
Identifiers: ClinVar variation 4857208 (VCV004857208.1).

ClinVar aggregate classification (germline): Pathogenic (1 of 4 stars; one submission).

Conditions:
Neurofibromatosis, type 1 (NF1). Also called: VON RECKLINGHAUSEN DISEASE; NEUROFIBROMATOSIS, TYPE I, SOMATIC; Peripheral type neurofibromatosis; Neurofibromatosis, type I. Identifiers: Orphanet 636, MedGen C0027831, MONDO:0018975, OMIM 162200. Disease mechanism: loss of function.

Submission:

Department Of Genetics, Lifeline Super Speciality Hospital, Adoor.
Classification: Pathogenic for Neurofibromatosis, type 1. Review status: criteria provided, single submitter. Criteria: ACMG Guidelines, 2015. Collection method: clinical testing. Allele origin: germline. Inheritance: Autosomal dominant inheritance. Affected: yes. Observed: 1 variant allele, 1 heterozygote.
Comment: The identified variant, c.7794del (p.Ser2599LeufsTer25) in the NF1 gene, is a single base pair deletion that results in a frameshift and introduces a premature termination codon, which is predicted to lead to nonsense-mediated mRNA decay or production of a truncated protein. Since loss-of-function is a well-established disease mechanism for the NF1 gene, PVS1 was applied. The variant is absent from major population databases, including 1000 Genomes, gnomAD, and TopMed, supporting PM2. The patient's clinical features including multiple café-au-lait macules, neurofibromas, which are highly specific for Neurofibromatosis Type 1, supporting PP4. Based on the combined ACMG evidence criteria (PVS1, PM2, and PP4), this variant is classified as Pathogenic.